The following is an entry in ClinVar:

ClinVar aggregate classification (germline): Uncertain significance (1 of 4 stars; one submission).

Submission:

GeneDx
Classification: Uncertain significance. Last evaluated: 2023-01-24. Review status: criteria provided, single submitter. Criteria: GeneDx Variant Classification Process June 2021. Collection method: clinical testing. Allele origin: germline. Affected: yes.
Comment: Not observed at significant frequency in large population cohorts (gnomAD); In silico analysis supports that this missense variant does not alter protein structure/function; Has not been previously published as pathogenic or benign to our knowledge

NM_198503.5(KCNT2):c.1903G>C (p.Val635Leu)

Gene: KCNT2 (potassium sodium-activated channel subfamily T member 2; minus strand). Cytogenetic location: 1q31.3.
Variant type: single nucleotide variant.
Coding change: c.1903G>C on transcript NM_198503.5 (MANE Select); coding-DNA position 1903, G replaced by C.
Protein change: p.Val635Leu; replaces valine 635 with leucine.
Molecular consequence: missense variant. On other transcripts: non-coding transcript variant (2).
Genome position (GRCh38, 1-based): chr1:196,333,941, C>G on the plus strand (G>C on the coding strand, the complement: KCNT2 is on the minus strand). VCF-style: chr1-196333941-C-G. GRCh37 (hg19) VCF-style: chr1-196303071-C-G.
Other names: c.1903G>C, p.Val635Leu (NM_001287819.3); c.1753G>C, p.Val585Leu (NM_001287820.3); short protein forms V585L, V635L.
Identifiers: ClinVar variation 2573793 (VCV002573793.1), dbSNP rs760051450, ClinGen allele CA343978249.